The following is an entry in ClinVar:

NM_001134831.2(AHI1):c.2297G>A (p.Gly766Glu)

Gene: AHI1 (Abelson helper integration site 1; minus strand). Cytogenetic location: 6q23.3.
Variant type: single nucleotide variant.
Coding change: c.2297G>A on transcript NM_001134831.2 (MANE Select); coding-DNA position 2297, G replaced by A.
Protein change: p.Gly766Glu; replaces glycine 766 with glutamic acid.
Molecular consequence: missense variant.
Genome position (GRCh38, 1-based): chr6:135,431,284, C>T on the plus strand (G>A on the coding strand, the complement: AHI1 is on the minus strand). VCF-style: chr6-135431284-C-T. GRCh37 (hg19) VCF-style: chr6-135752422-C-T.
Other names: c.2297G>A, p.Gly766Glu (NM_001134830.2, NM_001134832.2, NM_001350503.2 and 2 more transcripts); c.2297G>A (NM_017651.4); short protein forms G766E.
Identifiers: ClinVar variation 217539 (VCV000217539.4), dbSNP rs863225139, ClinGen allele CA279563.

ClinVar aggregate classification (germline): Pathogenic/Likely pathogenic. Review status: criteria provided, multiple submitters, no conflicts (2 of 4 stars). 3 submissions from 3 submitters: Pathogenic (2); Likely pathogenic (1). Last evaluated 2025-08-15.

Conditions:
Joubert syndrome. Also called: CEREBELLOPARENCHYMAL DISORDER IV; JOUBERT-BOLTSHAUSER SYNDROME; Familial aplasia of the vermis. Identifiers: Orphanet 475, MedGen C5979921, MONDO:0018772.
Joubert syndrome 3 (JBTS3). Also called: AHI1-related Ciliopathy. Identifiers: Orphanet 220493, MedGen C1837713, MONDO:0012078, OMIM 608629.

Submissions (3):

GeneDx
Classification: Likely pathogenic. Last evaluated: 2025-08-15. Review status: criteria provided, single submitter. Criteria: GeneDx Variant Classification Process June 2021. Collection method: clinical testing. Allele origin: germline. Affected: yes.
Comment: In silico analysis supports that this missense variant has a deleterious effect on protein structure/function; Not observed at significant frequency in large population cohorts (gnomAD); This variant is associated with the following publications: (PMID: Jasim2025[article], 26092869)

Labcorp Genetics (formerly Invitae), Labcorp
Classification: Pathogenic for Joubert syndrome. Last evaluated: 2023-08-05. Review status: criteria provided, single submitter. Criteria: Invitae Variant Classification Sherloc (09022015). Collection method: clinical testing. Allele origin: germline.
Comment: This missense change has been observed in individual(s) with Joubert syndrome (PMID: 26092869). This variant is not present in population databases (gnomAD no frequency). This sequence change replaces glycine, which is neutral and non-polar, with glutamic acid, which is acidic and polar, at codon 766 of the AHI1 protein (p.Gly766Glu). ClinVar contains an entry for this variant (Variation ID: 217539). For these reasons, this variant has been classified as Pathogenic. This variant disrupts the p.Gly766 amino acid residue in AHI1. Other variant(s) that disrupt this residue have been determined to be pathogenic (PMID: 33879512). This suggests that this residue is clinically significant, and that variants that disrupt this residue are likely to be disease-causing. Advanced modeling of protein sequence and biophysical properties (such as structural, functional, and spatial information, amino acid conservation, physicochemical variation, residue mobility, and thermodynamic stability) performed at Invitae indicates that this missense variant is expected to disrupt AHI1 protein function.

UW Hindbrain Malformation Research Program, University of Washington
Classification: Pathogenic for Joubert syndrome 3. Last evaluated: 2015-02-23. Review status: criteria provided, single submitter. Criteria: Bachmann-Gagescu et al. (J Med Genet. 2015). Collection method: research. Allele origin: unknown. Affected: yes.

Literature cited by the submitters: PubMed 26092869 (cited by Labcorp Genetics (formerly Invitae), Labcorp); PubMed 33879512 (cited by Labcorp Genetics (formerly Invitae), Labcorp).